The following is an entry in ClinVar:

NM_052989.3(IFT122):c.3308C>G (p.Thr1103Ser)

Gene: IFT122 (intraflagellar transport 122; plus strand). Cytogenetic location: 3q22.1.
Variant type: single nucleotide variant.
Coding change: c.3308C>G on transcript NM_052989.3 (MANE Select); coding-DNA position 3308, C replaced by G.
Protein change: p.Thr1103Ser; replaces threonine 1103 with serine.
Molecular consequence: missense variant.
Genome position (GRCh38, 1-based): chr3:129,517,511, C>G. VCF-style: chr3-129517511-C-G. GRCh37 (hg19) VCF-style: chr3-129236354-C-G.
Other names: c.3287C>G, p.Thr1096Ser (NM_001280541.2); c.2858C>G, p.Thr953Ser (NM_001280545.2); c.2681C>G, p.Thr894Ser (NM_001280546.2); c.3311C>G, p.Thr1104Ser (NM_001410808.1); c.3254C>G, p.Thr1085Ser (NM_001410809.1); c.3134C>G, p.Thr1045Ser (NM_001410810.1); c.3080C>G, p.Thr1027Ser (NM_001410811.1); c.3077C>G, p.Thr1026Ser (NM_001410813.1); and 5 more; short protein forms T1154S, T1026S, T894S, T993S, T1104S, T953S, T975S, T992S.
Identifiers: ClinVar variation 2011977 (VCV002011977.4), dbSNP rs2532898343, ClinGen allele CA354489749.

ClinVar aggregate classification (germline): Uncertain significance (1 of 4 stars; one submission).

Conditions:
Cranioectodermal dysplasia 1 (CED1). Also called: LEVIN SYNDROME I. Identifiers: Orphanet 1515, MedGen C0432235, MONDO:0021093, OMIM 218330.

Submission:

Labcorp Genetics (formerly Invitae), Labcorp
Classification: Uncertain significance for Cranioectodermal dysplasia 1. Last evaluated: 2024-10-08. Review status: criteria provided, single submitter. Criteria: Invitae Variant Classification Sherloc (09022015). Collection method: clinical testing. Allele origin: germline.
Comment: This sequence change replaces threonine, which is neutral and polar, with serine, which is neutral and polar, at codon 1154 of the IFT122 protein (p.Thr1154Ser). This variant is not present in population databases (gnomAD no frequency). This variant has not been reported in the literature in individuals affected with IFT122-related conditions. ClinVar contains an entry for this variant (Variation ID: 2011977). Invitae Evidence Modeling of protein sequence and biophysical properties (such as structural, functional, and spatial information, amino acid conservation, physicochemical variation, residue mobility, and thermodynamic stability) indicates that this missense variant is not expected to disrupt IFT122 protein function with a negative predictive value of 80%. In summary, the available evidence is currently insufficient to determine the role of this variant in disease. Therefore, it has been classified as a Variant of Uncertain Significance.